The following is an entry in ClinVar:

ClinVar aggregate classification (germline): Uncertain significance. Review status: criteria provided, multiple submitters, no conflicts (2 of 4 stars). 7 submissions from 7 submitters: Uncertain significance (7). Last evaluated 2026-09-01.

Conditions:
Autosomal dominant Alport syndrome (ATS3A). Also called: Alport syndrome dominant type; Renal failure and sensorineural hearing loss; ALPORT SYNDROME 3A, AUTOSOMAL DOMINANT. Identifiers: Orphanet 63, Orphanet 88918, MedGen C5882663, MONDO:0007086, OMIM 104200.
Hematuria, benign familial, 2 (BFH2). Identifiers: MedGen C5830421, MONDO:0958186, OMIM 620320.
Alport syndrome 3b, autosomal recessive. Identifiers: MedGen C5882699, MONDO:0957811, OMIM 620536.
Alport syndrome. Also called: Hemorrhagic familial nephritis; Hemorrhagic hereditary nephritis; Congenital hereditary hematuria. Identifiers: Orphanet 63, MedGen C1567741, MONDO:0018965.
Inborn genetic diseases. Identifiers: MedGen C0950123, MeSH D030342.
COL4A3-related disorder. Also called: COL4A3-related condition; COL4A3-Related Disorders.

Allele frequency attached by ClinVar (database versions not stated): gnomAD 0.00007; gnomAD exomes 0.00007; TOPMed 0.00009.
gnomAD v4.1: 222 of 1,529,812 alleles (0.015%); highest among the groups gnomAD compares: Non-Finnish European, 0.018%; no homozygotes.

Submissions (7):

CeGaT Center for Human Genetics Tuebingen
Classification: Uncertain significance. Last evaluated: 2026-09-01. Review status: criteria provided, single submitter. Criteria: CeGaT Center For Human Genetics Tuebingen Variant Classification Criteria Version 2. Collection method: clinical testing. Allele origin: germline. Affected: yes. Observed: 2 variant alleles.
Comment: COL4A3: PM2

PreventionGenetics, part of Exact Sciences
Classification: Uncertain significance for COL4A3-related condition. Last evaluated: 2026-03-18. Review status: criteria provided, single submitter. Criteria: ACMG Guidelines, 2015. Collection method: clinical testing. Allele origin: germline.
Comment: The COL4A3 c.11G>A variant is predicted to result in the amino acid substitution p.Arg4Gln. To our knowledge, this variant has not been reported in the literature. This variant is reported in 0.018% of alleles in individuals of European (Non-Finnish) descent in gnomAD. At this time, the clinical significance of this variant is uncertain due to the absence of conclusive functional and genetic evidence.

Ambry Genetics
Classification: Uncertain significance for Inborn genetic diseases. Last evaluated: 2024-08-28. Review status: criteria provided, single submitter. Criteria: Ambry Variant Classification Scheme 2023. Collection method: clinical testing. Allele origin: germline.

Fulgent Genetics
Classification: Uncertain significance for Autosomal dominant Alport syndrome; Hematuria, benign familial, 2; Alport syndrome 3b, autosomal recessive. Last evaluated: 2024-05-29. Review status: criteria provided, single submitter. Criteria: ACMG Guidelines, 2015. Collection method: clinical testing. Allele origin: germline.

Labcorp Genetics (formerly Invitae), Labcorp
Classification: Uncertain significance. Last evaluated: 2024-03-04. Review status: criteria provided, single submitter. Criteria: Invitae Variant Classification Sherloc (09022015). Collection method: clinical testing. Allele origin: germline.
Comment: This sequence change replaces arginine, which is basic and polar, with glutamine, which is neutral and polar, at codon 4 of the COL4A3 protein (p.Arg4Gln). This variant is present in population databases (no rsID available, gnomAD 0.02%). This variant has not been reported in the literature in individuals affected with COL4A3-related conditions. ClinVar contains an entry for this variant (Variation ID: 1304000). Advanced modeling of protein sequence and biophysical properties (such as structural, functional, and spatial information, amino acid conservation, physicochemical variation, residue mobility, and thermodynamic stability) performed at Invitae indicates that this missense variant is not expected to disrupt COL4A3 protein function with a negative predictive value of 95%. In summary, the available evidence is currently insufficient to determine the role of this variant in disease. Therefore, it has been classified as a Variant of Uncertain Significance.

GeneDx
Classification: Uncertain significance. Last evaluated: 2023-03-17. Review status: criteria provided, single submitter. Criteria: GeneDx Variant Classification Process June 2021. Collection method: clinical testing. Allele origin: germline. Affected: yes.
Comment: In silico analysis supports that this missense variant does not alter protein structure/function; Has not been previously published as pathogenic or benign to our knowledge

Victorian Clinical Genetics Services, Murdoch Childrens Research Institute
Classification: Uncertain significance for Alport syndrome. Last evaluated: 2021-05-06. Review status: criteria provided, single submitter. Criteria: ACMG Guidelines, 2015. Collection method: clinical testing. Allele origin: germline.
Comment: Based on the classification scheme VCGS_Germline_v1.3.4, this variant is classified as VUS-3C. Following criteria are met: 0103 - Dominant negative and loss of function are known mechanisms of disease in this gene and are associated with COL4A3-related nephropathy. Glycine changes that are part of a Gly-X-Y motif in the collagen triple helical domain are known to have a dominant negative effect (PMID: 12028435). (I) 0108 - This gene is associated with both recessive (Alport syndrome 2 MIM#203780) and dominant disease (Alport syndrome 3 MIM#104200 and benign familial hematuria MIM#141200) (OMIM). (I) 0200 - Variant is predicted to result in a missense amino acid change from arginine to glutamine. (I) 0251 - This variant is heterozygous. (I) 0304 - Variant is present in gnomAD (v2) <0.01 for a recessive condition (11 heterozygotes, 0 homozygotes). (SP) 0503 - Missense variant consistently predicted to be tolerated by multiple in silico tools or not conserved in placental mammals with a minor amino acid change. (SB) 0600 - Variant is located in the annotated signal peptide domain (UniProt). (I) 0705 - No comparable missense variants have previous evidence for pathogenicity. (I) 0807 - This variant has no previous evidence of pathogenicity. (I) 0905 - No published segregation evidence has been identified for this variant. (I) 1007 - No published functional evidence has been identified for this variant. (I) 1102 - Strong phenotype match for this individual. (SP) 1208 - Inheritance information for this variant is not currently available in this individual. (I) Legend: (SP) - Supporting pathogenic, (I) - Information, (SB) - Supporting benign

Literature cited by the submitters: PubMed 12028435 (cited by Victorian Clinical Genetics Services, Murdoch Childrens Research Institute).

NM_000091.5(COL4A3):c.11G>A (p.Arg4Gln)

Genes: COL4A3 (collagen type IV alpha 3 chain; plus strand), LOC129935730 (ATAC-STARR-seq lymphoblastoid silent region 12397; plus strand). Cytogenetic location: 2q36.3.
Variant type: single nucleotide variant.
Coding change: c.11G>A on transcript NM_000091.5 (MANE Select); coding-DNA position 11, G replaced by A.
Protein change: p.Arg4Gln; replaces arginine 4 with glutamine.
Molecular consequence: missense variant.
Genome position (GRCh38, 1-based): chr2:227,164,737, G>A. VCF-style: chr2-227164737-G-A. GRCh37 (hg19) VCF-style: chr2-228029453-G-A.
Other names: short protein forms R4Q.
Identifiers: ClinVar variation 1304000 (VCV001304000.17), dbSNP rs921905047, ClinGen allele CA66565365.